The following is an entry in ClinVar:

NM_001037333.3(CYFIP2):c.3617G>A (p.Arg1206Gln)

Genes: CYFIP2 (cytoplasmic FMR1 interacting protein 2; plus strand), NIPAL4-DT (NIPAL4 divergent transcript; minus strand). Cytogenetic location: 5q33.3.
Variant type: single nucleotide variant.
Coding change: c.3617G>A on transcript NM_001037333.3 (MANE Select); coding-DNA position 3617, G replaced by A.
Protein change: p.Arg1206Gln; replaces arginine 1206 with glutamine.
Molecular consequence: missense variant.
Genome position (GRCh38, 1-based): chr5:157,392,855, G>A. VCF-style: chr5-157392855-G-A. GRCh37 (hg19) VCF-style: chr5-156819863-G-A.
Other names: c.3539G>A, p.Arg1180Gln (NM_001291721.2); c.3692G>A, p.Arg1231Gln (NM_001291722.2); c.3617G>A, p.Arg1206Gln (NM_014376.4); short protein forms R1180Q, R1231Q, R1206Q.
Identifiers: ClinVar variation 1384518 (VCV001384518.6), dbSNP rs771443874, ClinGen allele CA3534423.
Genomic context (GRCh38, chr5:157,392,855, plus strand): 5'-TGTCCTGCCCTAACTTGAACATCCCCTTCCTTCTGTAGCCCCTGAAGAAGATGGCCGACC[G>A]GATCAGGAAGTATCAGATCTTGAACAATGAGGTTTTTGCCATCCTGAACAAATACATGAA-3'
Protein context (NP_001032410.1, residues 1196-1216): KNVPLKKMAD[Arg1206Gln]IRKYQILNNE

ClinVar aggregate classification (germline): Uncertain significance (1 of 4 stars; one submission).

Allele frequency attached by ClinVar (database versions not stated): gnomAD exomes below 0.00001 and 0.00001; TOPMed below 0.00001; ExAC 0.00001; gnomAD 0.00001.
gnomAD v4.1: 3 of 1,613,636 alleles (0.00019%); highest among the groups gnomAD compares: Non-Finnish European, 0.00017%; no homozygotes.

Submission:

Labcorp Genetics (formerly Invitae), Labcorp
Classification: Uncertain significance. Last evaluated: 2022-07-05. Review status: criteria provided, single submitter. Criteria: Invitae Variant Classification Sherloc (09022015). Collection method: clinical testing. Allele origin: germline.
Comment: In summary, the available evidence is currently insufficient to determine the role of this variant in disease. Therefore, it has been classified as a Variant of Uncertain Significance. Algorithms developed to predict the effect of missense changes on protein structure and function are either unavailable or do not agree on the potential impact of this missense change (SIFT: "Deleterious"; PolyPhen-2: "Not Available"; Align-GVGD: "Class C35"). ClinVar contains an entry for this variant (Variation ID: 1384518). This variant has not been reported in the literature in individuals affected with CYFIP2-related conditions. This variant is present in population databases (rs771443874, gnomAD 0.004%). This sequence change replaces arginine, which is basic and polar, with glutamine, which is neutral and polar, at codon 1206 of the CYFIP2 protein (p.Arg1206Gln).